The following is an entry in ClinVar:

ClinVar aggregate classification (germline): Benign. Review status: criteria provided, single submitter (1 of 4 stars). 2 submissions from 2 submitters: Benign (1). 1 of the submissions does not count toward it. Last evaluated 2021-07-15.

Conditions:
JARID2-related disorder. Also called: JARID2-related condition.

Allele frequency attached by ClinVar (database versions not stated): 1000 Genomes Project 0.05212; 1000 Genomes Project 30x 0.05231; TOPMed 0.08896; ESP Exome Variant Server 0.10026.
gnomAD v4.1: 192,862 of 1,613,434 alleles (12%); highest among the groups gnomAD compares: Non-Finnish European, 13%; 12,712 homozygotes.

Submissions (2):

GeneDx
Classification: Benign. Last evaluated: 2021-07-15. Review status: criteria provided, single submitter. Criteria: GeneDx Variant Classification Process June 2021. Collection method: clinical testing. Allele origin: germline. Affected: yes.

PreventionGenetics, part of Exact Sciences
Classification: Benign for JARID2-related condition. Last evaluated: 2019-11-01. Review status: no assertion criteria provided. Collection method: clinical testing. Allele origin: germline. Not counted in ClinVar's aggregate classification.
Comment: This variant is classified as benign based on ACMG/AMP sequence variant interpretation guidelines (Richards et al. 2015 PMID: 25741868, with internal and published modifications).

NM_004973.4(JARID2):c.597C>G (p.Thr199=)

Gene: JARID2 (jumonji and AT-rich interaction domain containing 2; plus strand). Cytogenetic location: 6p22.3.
Variant type: single nucleotide variant.
Coding change: c.597C>G on transcript NM_004973.4 (MANE Select); coding-DNA position 597, C replaced by G.
Protein change: p.Thr199=; no amino-acid change (threonine 199 retained).
Molecular consequence: synonymous variant.
Genome position (GRCh38, 1-based): chr6:15,468,645, C>G. VCF-style: chr6-15468645-C-G. GRCh37 (hg19) VCF-style: chr6-15468876-C-G.
Other names: c.81C>G, p.Thr27= (NM_001267040.1).
Identifiers: ClinVar variation 1302851 (VCV001302851.4), dbSNP rs7768621, ClinGen allele CA3642631.